The following is an entry in ClinVar:

NM_173354.5(SIK1):c.871G>T (p.Ala291Ser)

Gene: SIK1 (salt inducible kinase 1; minus strand). Cytogenetic location: 21q22.3.
Variant type: single nucleotide variant.
Coding change: c.871G>T on transcript NM_173354.5 (MANE Select); coding-DNA position 871, G replaced by T.
Protein change: p.Ala291Ser; replaces alanine 291 with serine.
Molecular consequence: missense variant.
Genome position (GRCh38, 1-based): chr21:43,420,335, C>A on the plus strand (G>T on the coding strand, the complement: SIK1 is on the minus strand). VCF-style: chr21-43420335-C-A. GRCh37 (hg19) VCF-style: chr21-44840215-C-A.
Other names: short protein forms A291S.
Identifiers: ClinVar variation 2738749 (VCV002738749.3), dbSNP rs201889040, ClinGen allele CA321326790.
Genomic context (GRCh38, chr21:43,420,335, plus strand): 5'-TACCCAGCGCCTGCTCATCGTAGTCGCCCAGGTTGGAGGTGTAGCTGTGTGCGGAGAAGG[C>A]GGGGCAGGCGGGTCCCGGCAAGCAGGGCTCAGCCCGCATCCACCGGTGCTGCCGGATCTG-3'
Protein context (NP_775490.2, residues 281-301): EPCLPGPACP[Ala291Ser]FSAHSYTSNL

ClinVar aggregate classification (germline): Uncertain significance (1 of 4 stars; one submission).

Conditions:
Developmental and epileptic encephalopathy, 30 (DEE30). Also called: Epileptic encephalopathy, early infantile, 30. Identifiers: MedGen C4225360, MONDO:0014595, OMIM 616341.

Submission:

Labcorp Genetics (formerly Invitae), Labcorp
Classification: Uncertain significance for Developmental and epileptic encephalopathy, 30. Last evaluated: 2024-05-28. Review status: criteria provided, single submitter. Criteria: Invitae Variant Classification Sherloc (09022015). Collection method: clinical testing. Allele origin: germline.
Comment: This sequence change replaces alanine, which is neutral and non-polar, with serine, which is neutral and polar, at codon 291 of the SIK1 protein (p.Ala291Ser). This variant is present in population databases (rs201889040, gnomAD 0.003%). This variant has not been reported in the literature in individuals affected with SIK1-related conditions. Advanced modeling of protein sequence and biophysical properties (such as structural, functional, and spatial information, amino acid conservation, physicochemical variation, residue mobility, and thermodynamic stability) performed at Invitae indicates that this missense variant is not expected to disrupt SIK1 protein function with a negative predictive value of 95%. In summary, the available evidence is currently insufficient to determine the role of this variant in disease. Therefore, it has been classified as a Variant of Uncertain Significance.